The following is an entry in ClinVar:

NM_003394.4(WNT10B):c.242A>C (p.His81Pro)

Gene: WNT10B (Wnt family member 10B; minus strand). Cytogenetic location: 12q13.12.
Variant type: single nucleotide variant.
Coding change: c.242A>C on transcript NM_003394.4 (MANE Select); coding-DNA position 242, A replaced by C.
Protein change: p.His81Pro; replaces histidine 81 with proline.
Molecular consequence: missense variant.
Genome position (GRCh38, 1-based): chr12:48,970,184, T>G on the plus strand (A>C on the coding strand, the complement: WNT10B is on the minus strand). VCF-style: chr12-48970184-T-G. GRCh37 (hg19) VCF-style: chr12-49363967-T-G.
Other names: short protein forms H81P.
Identifiers: ClinVar variation 3045345 (VCV003045345.2), dbSNP rs773540376, ClinGen allele CA6544216.

ClinVar aggregate classification (germline): Uncertain significance (0 of 4 stars; one submission).

Conditions:
WNT10B-related disorder. Also called: WNT10B-related condition.

Allele frequency attached by ClinVar (database versions not stated): gnomAD exomes 0.00002; TOPMed 0.00003; ExAC 0.00005.

Submission:

PreventionGenetics, part of Exact Sciences
Classification: Uncertain significance for WNT10B-related condition. Last evaluated: 2023-10-20. Review status: no assertion criteria provided. Collection method: clinical testing. Allele origin: germline.
Comment: The WNT10B c.242A>C variant is predicted to result in the amino acid substitution p.His81Pro. To our knowledge, this variant has not been reported in the literature. This variant is reported in 0.0054% of alleles in individuals of European (Non-Finnish) descent in gnomAD. At this time, the clinical significance of this variant is uncertain due to the absence of conclusive functional and genetic evidence.